The following is an entry in ClinVar:

NM_181552.4(CUX1):c.3622G>A (p.Ala1208Thr)

Gene: CUX1 (cut like homeobox 1; plus strand). Cytogenetic location: 7q22.1.
Variant type: single nucleotide variant.
Coding change: c.3622G>A on transcript NM_181552.4 (MANE Select); coding-DNA position 3622, G replaced by A.
Protein change: p.Ala1208Thr; replaces alanine 1208 with threonine.
Molecular consequence: missense variant. On other transcripts: intron variant (5).
Genome position (GRCh38, 1-based): chr7:102,234,240, G>A. VCF-style: chr7-102234240-G-A. GRCh37 (hg19) VCF-style: chr7-101877520-G-A.
Other names: c.3655G>A, p.Ala1219Thr (NM_001202543.2); c.1255+38637G>A (NM_001913.5); c.1249+38637G>A (NM_181500.4); c.1117+38637G>A (NM_001202545.3); c.1207+38637G>A (NM_001202544.3); c.1138+38637G>A (NM_001202546.3); short protein forms A1208T, A1219T.
Identifiers: ClinVar variation 4976702 (VCV004976702.1).

ClinVar aggregate classification (germline): Uncertain significance (1 of 4 stars; one submission).

gnomAD v4.1: 1 of 1,535,872 alleles (0.000065%); highest among the groups gnomAD compares: Admixed American, 0.0021%; no homozygotes.

Submission:

GeneDx
Classification: Uncertain significance. Last evaluated: 2026-02-09. Review status: criteria provided, single submitter. Criteria: GeneDx Variant Classification Process June 2021. Collection method: clinical testing. Allele origin: germline.
Comment: Not observed at significant frequency in large population cohorts (gnomAD); In silico analysis supports that this missense variant has a deleterious effect on protein structure/function; Has not been previously published as pathogenic or benign to our knowledge